The following is an entry in ClinVar:

ClinVar aggregate classification (germline): Uncertain significance (1 of 4 stars; one submission).

Allele frequency attached by ClinVar (database versions not stated): gnomAD exomes below 0.00001.
gnomAD v4.1: 1 of 1,613,476 alleles (0.000062%); highest among the groups gnomAD compares: Non-Finnish European, 0.000085%; no homozygotes.

Submission:

Labcorp Genetics (formerly Invitae), Labcorp
Classification: Uncertain significance. Last evaluated: 2025-02-18. Review status: criteria provided, single submitter. Criteria: Invitae Variant Classification Sherloc (09022015). Collection method: clinical testing. Allele origin: germline.
Comment: This sequence change falls in intron 12 of the OPA1 gene. It does not directly change the encoded amino acid sequence of the OPA1 protein. It affects a nucleotide within the consensus splice site. This variant is present in population databases (no rsID available, gnomAD 0.0009%). This variant has not been reported in the literature in individuals affected with OPA1-related conditions. ClinVar contains an entry for this variant (Variation ID: 1514940). Variants that disrupt the consensus splice site are a relatively common cause of aberrant splicing (PMID: 17576681, 9536098). Algorithms developed to predict the effect of sequence changes on RNA splicing suggest that this variant may disrupt the consensus splice site. In summary, the available evidence is currently insufficient to determine the role of this variant in disease. Therefore, it has been classified as a Variant of Uncertain Significance.

Literature cited by the submitters: PubMed 17576681; PubMed 9536098.

NM_130837.3(OPA1):c.1378-3A>G

Gene: OPA1 (OPA1 mitochondrial dynamin like GTPase; plus strand). Cytogenetic location: 3q29.
Variant type: single nucleotide variant.
Coding change: c.1378-3A>G on transcript NM_130837.3 (MANE Select); 3 bases into the intron before coding-DNA position 1378, A replaced by G.
Molecular consequence: intron variant.
Genome position (GRCh38, 1-based): chr3:193,643,525, A>G. VCF-style: chr3-193643525-A-G. GRCh37 (hg19) VCF-style: chr3-193361314-A-G.
Other names: c.841-3A>G (NM_001354664.2); c.844-3A>G (NM_001354663.2); c.1267-3A>G (NM_130834.3); c.1324-3A>G (NM_130836.3); c.1213-3A>G (NM_015560.3); c.1270-3A>G (NM_130835.3); c.1159-3A>G (NM_130832.3); c.1216-3A>G (NM_130833.3); and 1 more.
Identifiers: ClinVar variation 1514940 (VCV001514940.6), dbSNP rs1438193216, ClinGen allele CA548822179.